The following is an entry in ClinVar:

ClinVar aggregate classification (germline): Likely benign. Review status: criteria provided, multiple submitters, no conflicts (2 of 4 stars). 2 submissions from 2 submitters: Likely benign (2). Last evaluated 2026-04-10.

Conditions:
GLIS3-related disorder. Also called: GLIS3-related condition.

Allele frequency attached by ClinVar (database versions not stated): 1000 Genomes Project 0.00060; 1000 Genomes Project 30x 0.00062.
gnomAD v4.1: 74 of 1,548,934 alleles (0.0048%); highest among the groups gnomAD compares: South Asian, 0.089%; no homozygotes.

Submissions (2):

PreventionGenetics, part of Exact Sciences
Classification: Likely benign for GLIS3-related condition. Last evaluated: 2026-04-10. Review status: criteria provided, single submitter. Criteria: ACMG Guidelines, 2015. Collection method: clinical testing. Allele origin: germline.
Comment: This variant is classified as likely benign based on ACMG/AMP sequence variant interpretation guidelines (Richards et al. 2015 PMID: 25741868, with internal and published modifications).

Labcorp Genetics (formerly Invitae), Labcorp
Classification: Likely benign. Last evaluated: 2025-08-17. Review status: criteria provided, single submitter. Criteria: Invitae Variant Classification Sherloc (09022015). Collection method: clinical testing. Allele origin: germline.

NM_001042413.2(GLIS3):c.1335C>A (p.Pro445=)

Gene: GLIS3 (GLIS family zinc finger 3; minus strand). Cytogenetic location: 9p24.2.
Variant type: single nucleotide variant.
Coding change: c.1335C>A on transcript NM_001042413.2 (MANE Select); coding-DNA position 1335, C replaced by A.
Protein change: p.Pro445=; no amino-acid change (proline 445 retained).
Molecular consequence: synonymous variant.
Genome position (GRCh38, 1-based): chr9:4,118,143, G>T on the plus strand (C>A on the coding strand, the complement: GLIS3 is on the minus strand). VCF-style: chr9-4118143-G-T. GRCh37 (hg19) VCF-style: chr9-4118143-G-T.
Other names: c.870C>A, p.Pro290= (NM_152629.4); c.1335C>A (NM_001042413.1).
Identifiers: ClinVar variation 2179740 (VCV002179740.5), dbSNP rs560316000, ClinGen allele CA4968228.
Genomic context (GRCh38, chr9:4,118,143, plus strand): 5'-ATGGGCATGGTAAGGGGGTGGGGGGCCTGGGGGCGGCGGCAGAGGAGGGAGCGGAGGCGC[G>T]GGGGGTAGGTCTACGGTGCTGCCCGGGAACTCCTCCAGGCGTTCGGTCTTGAACAGGCCG-3'
Protein context (NP_001035878.1, residues 435-455): EFPGSTVDLP[Pro445=]APPLPPLPPP